The following is an entry in ClinVar:

NM_001079668.3(NKX2-1):c.1054G>A (p.Gly352Ser)

Genes: NKX2-1 (NK2 homeobox 1; minus strand), SFTA3 (surfactant associated 3; minus strand). Cytogenetic location: 14q13.3.
Variant type: single nucleotide variant.
Coding change: c.1054G>A on transcript NM_001079668.3 (MANE Select); coding-DNA position 1054, G replaced by A.
Protein change: p.Gly352Ser; replaces glycine 352 with serine.
Molecular consequence: missense variant.
Genome position (GRCh38, 1-based): chr14:36,517,430, C>T on the plus strand (G>A on the coding strand, the complement: NKX2-1 is on the minus strand). VCF-style: chr14-36517430-C-T. GRCh37 (hg19) VCF-style: chr14-36986635-C-T.
Other names: c.964G>A, p.Gly322Ser (NM_003317.4); short protein forms G322S, G352S.
Identifiers: ClinVar variation 1130737 (VCV001130737.27), dbSNP rs200560568, ClinGen allele CA7158425.
Genomic context (GRCh38, chr14:36,517,430, plus strand): 5'-CCTGCAGCGCCGCGGGGCTGGCGGCGTGGTGCGCCAGGTCCGGAGACTGGCCTGCGCTGC[C>T]TGGCTGGTGGCCCGGGTGTGCGCCAAGGCCGGCGCCACCGCTGCCCACGGAGATGGCCGC-3'
Protein context (NP_001073136.1, residues 342-362): GLGAHPGHQP[Gly352Ser]SAGQSPDLAH

ClinVar aggregate classification (germline): Conflicting classifications of pathogenicity. Review status: criteria provided, conflicting classifications (1 of 4 stars). 4 submissions from 4 submitters: Uncertain significance (2); Likely benign (2). Last evaluated 2026-03-01.

Conditions:
Brain-lung-thyroid syndrome. Also called: Choreoathetosis, Congenital Hypothyroidism, and Neonatal Respiratory Distress Syndrome (Brain-Lung-Thyroid Syndrome); Choreoathetosis, congenital hypothyroidism, and neonatal respiratory distress; CHOREOATHETOSIS AND CONGENITAL HYPOTHYROIDISM WITH PULMONARY DYSFUNCTION. Identifiers: Orphanet 209905, MedGen C1970269, MONDO:0012593, OMIM 610978.

Allele frequency attached by ClinVar (database versions not stated): gnomAD 0.00006 and 0.00011; gnomAD exomes 0.00009 and 0.00022; TOPMed 0.00021; ExAC 0.00030; 1000 Genomes Project 0.00060; 1000 Genomes Project 30x 0.00062.
gnomAD v4.1: 138 of 1,545,990 alleles (0.0089%); highest among the groups gnomAD compares: East Asian, 0.33%; no homozygotes.

Submissions (4):

CeGaT Center for Human Genetics Tuebingen
Classification: Likely benign. Last evaluated: 2026-03-01. Review status: criteria provided, single submitter. Criteria: CeGaT Center For Human Genetics Tuebingen Variant Classification Criteria Version 2. Collection method: clinical testing. Allele origin: germline. Affected: yes. Observed: 1 variant allele.
Comment: NKX2-1: BS1

Labcorp Genetics (formerly Invitae), Labcorp
Classification: Likely benign. Last evaluated: 2025-11-10. Review status: criteria provided, single submitter. Criteria: Invitae Variant Classification Sherloc (09022015). Collection method: clinical testing. Allele origin: germline.

Mendelics
Classification: Uncertain significance. Last evaluated: 2022-05-04. Review status: criteria provided, single submitter. Criteria: Mendelics Assertion Criteria 2019. Collection method: clinical testing. Allele origin: germline.

Department of Neurology, Xijing Hospital, Fourth Military Medical University
Classification: Uncertain significance for Brain-lung-thyroid syndrome. Last evaluated: 2022-03-01. Review status: criteria provided, single submitter. Criteria: ACMG Guidelines, 2015. Collection method: clinical testing. Allele origin: germline.